The following is an entry in ClinVar:

ClinVar aggregate classification (germline): Uncertain significance (1 of 4 stars; one submission).

Allele frequency attached by ClinVar (database versions not stated): TOPMed below 0.00001; gnomAD 0.00001; gnomAD exomes 0.00001; ExAC 0.00005; 1000 Genomes Project 30x 0.00016.

Submission:

Labcorp Genetics (formerly Invitae), Labcorp
Classification: Uncertain significance. Last evaluated: 2024-02-23. Review status: criteria provided, single submitter. Criteria: Invitae Variant Classification Sherloc (09022015). Collection method: clinical testing. Allele origin: germline.
Comment: This sequence change replaces cysteine, which is neutral and slightly polar, with serine, which is neutral and polar, at codon 132 of the GPR88 protein (p.Cys132Ser). This variant is present in population databases (rs756142738, gnomAD 0.1%), and has an allele count higher than expected for a pathogenic variant. This variant has not been reported in the literature in individuals affected with GPR88-related conditions. ClinVar contains an entry for this variant (Variation ID: 1897981). An algorithm developed to predict the effect of missense changes on protein structure and function (PolyPhen-2) suggests that this variant is likely to be tolerated. Algorithms developed to predict the effect of sequence changes on RNA splicing suggest that this variant may create or strengthen a splice site. In summary, the available evidence is currently insufficient to determine the role of this variant in disease. Therefore, it has been classified as a Variant of Uncertain Significance.

NM_022049.3(GPR88):c.394T>A (p.Cys132Ser)

Gene: GPR88 (G protein-coupled receptor 88; plus strand). Cytogenetic location: 1p21.2.
Variant type: single nucleotide variant.
Coding change: c.394T>A on transcript NM_022049.3 (MANE Select); coding-DNA position 394, T replaced by A.
Protein change: p.Cys132Ser; replaces cysteine 132 with serine.
Molecular consequence: missense variant.
Genome position (GRCh38, 1-based): chr1:100,539,360, T>A. VCF-style: chr1-100539360-T-A. GRCh37 (hg19) VCF-style: chr1-101004916-T-A.
Other names: short protein forms C132S.
Identifiers: ClinVar variation 1897981 (VCV001897981.5), dbSNP rs756142738, ClinGen allele CA971086.